The following is an entry in ClinVar:

NM_014845.6(FIG4):c.1207C>T (p.Gln403Ter)

Gene: FIG4 (FIG4 phosphoinositide 5-phosphatase; plus strand). Cytogenetic location: 6q21.
Variant type: single nucleotide variant.
Coding change: c.1207C>T on transcript NM_014845.6 (MANE Select); coding-DNA position 1207, C replaced by T.
Protein change: p.Gln403Ter; replaces glutamine 403 with a stop codon.
Molecular consequence: nonsense.
Genome position (GRCh38, 1-based): chr6:109,760,319, C>T. VCF-style: chr6-109760319-C-T. GRCh37 (hg19) VCF-style: chr6-110081522-C-T.
Other names: short protein forms Q403*.
Identifiers: ClinVar variation 245747 (VCV000245747.8), dbSNP rs879253926, ClinGen allele CA10584275.

ClinVar aggregate classification (germline): Pathogenic. Review status: criteria provided, multiple submitters, no conflicts (2 of 4 stars). 3 submissions from 3 submitters: Pathogenic (2). 1 of the submissions does not count toward it. Last evaluated 2021-09-06.

Conditions:
Charcot-Marie-Tooth disease type 4. Also called: Charcot-Marie-Tooth, Type 4; Charcot-Marie-Tooth disease, type IV. Identifiers: Orphanet 64749, MedGen C4082197, MONDO:0018995.
Amyotrophic lateral sclerosis (ALS). Also called: Charcot disease; Lou Gehrig disease. Identifiers: Orphanet 803, MedGen C0002736, MONDO:0004976, HP:0007354.

Submissions (3):

Labcorp Genetics (formerly Invitae), Labcorp
Classification: Pathogenic for Charcot-Marie-Tooth disease type 4. Last evaluated: 2021-09-06. Review status: criteria provided, single submitter. Criteria: Invitae Variant Classification Sherloc (09022015). Collection method: clinical testing. Allele origin: germline.
Comment: For these reasons, this variant has been classified as Pathogenic. ClinVar contains an entry for this variant (Variation ID: 245747). This premature translational stop signal has been observed in individual(s) with clinical features of amyotrophic lateral sclerosis (PMID: 19118816). This variant is not present in population databases (ExAC no frequency). This sequence change creates a premature translational stop signal (p.Gln403*) in the FIG4 gene. It is expected to result in an absent or disrupted protein product. Loss-of-function variants in FIG4 are known to be pathogenic (PMID: 23623387).

GeneDx
Classification: Pathogenic. Last evaluated: 2015-04-29. Review status: criteria provided, single submitter. Criteria: GeneDx Variant Classification (06012015). Collection method: clinical testing. Allele origin: germline. Affected: yes.
Comment: The Q403X variant in the FIG4 gene has been reported previously in the heterozygous state in a patient with possible amyotrophic lateral sclerosis (Chow et al., 2009). This variant is predicted to cause loss of normal protein function either through protein truncation or nonsense-mediated mRNA decay. It was not observed in approximately 6,500 individuals of European and African American ancestry in the NHLBI Exome Sequencing Project, indicating it is not a common benign variant in these populations. Therefore, Q403X is interpreted to be a disease-causing variant

Inherited Neuropathy Consortium Ii, University Of Miami
Classification: Uncertain significance for Amyotrophic lateral sclerosis. Last evaluated: 2016-01-06. Review status: no assertion criteria provided. Collection method: literature only. Allele origin: germline. Affected: yes. Not counted in ClinVar's aggregate classification.

Literature cited by the submitters: PubMed 19118816 (cited by Labcorp Genetics (formerly Invitae), Labcorp and Inherited Neuropathy Consortium Ii, University Of Miami); PubMed 23623387 (cited by Labcorp Genetics (formerly Invitae), Labcorp).